The following is an entry in ClinVar:

NM_000550.3(TYRP1):c.1200del (p.Phe400fs)

Genes: LURAP1L-AS1 (LURAP1L antisense RNA 1; minus strand), TYRP1 (tyrosinase related protein 1; plus strand). Cytogenetic location: 9p23.
Variant type: Deletion.
Coding change: c.1200del on transcript NM_000550.3 (MANE Select); coding-DNA position 1200, one base deleted (T; older notation c.1200delT).
Protein change: p.Phe400fs; shifts the reading frame from phenylalanine 400.
Molecular consequence: frameshift variant.
Genome position (GRCh38, 1-based): chr9:12,704,644, T deleted; the last of 5 consecutive T bases (chr9:12,704,640-12,704,644); deleting any one gives the same sequence. VCF-style (leftmost placement, unchanged base first): chr9-12704639-AT-A. GRCh37 (hg19) VCF-style: chr9-12704639-AT-A.
Other names: short protein forms F400fs.
Identifiers: ClinVar variation 1323731 (VCV001323731.8), dbSNP rs1563856255, ClinGen allele CA586637149.
Genomic context (GRCh38, chr9:12,704,639, plus strand): 5'-TTGGCTCATCTATTCCTGAATGGAACAGGGGGACAAACCCATTTGTCTCCAAATGATCCT[AT>A]TTTTGTCCTCCTGCACACCTTCACAGATGCAGTCTTTGATGAATGGCTGAGGAGATACAA-3'

ClinVar aggregate classification (germline): Pathogenic. Review status: criteria provided, multiple submitters, no conflicts (2 of 4 stars). 2 submissions from 2 submitters: Pathogenic (2). Last evaluated 2022-01-13.

Submissions (2):

Labcorp Genetics (formerly Invitae), Labcorp
Classification: Pathogenic. Last evaluated: 2022-01-13. Review status: criteria provided, single submitter. Criteria: Invitae Variant Classification Sherloc (09022015). Collection method: clinical testing. Allele origin: germline.
Comment: For these reasons, this variant has been classified as Pathogenic. ClinVar contains an entry for this variant (Variation ID: 1323731). This variant has not been reported in the literature in individuals affected with TYRP1-related conditions. The frequency data for this variant in the population databases is considered unreliable, as metrics indicate poor data quality at this position in the gnomAD database. This sequence change creates a premature translational stop signal (p.Phe400Leufs*16) in the TYRP1 gene. It is expected to result in an absent or disrupted protein product. Loss-of-function variants in TYRP1 are known to be pathogenic (PMID: 8651291, 9345097).

Revvity Omics, Revvity
Classification: Pathogenic. Last evaluated: 2019-11-25. Review status: criteria provided, single submitter. Criteria: ACMG Guidelines, 2015. Collection method: clinical testing. Allele origin: germline.

Literature cited by the submitters: PubMed 8651291 (cited by Labcorp Genetics (formerly Invitae), Labcorp); PubMed 9345097 (cited by Labcorp Genetics (formerly Invitae), Labcorp).